The following is an entry in ClinVar:

NM_000038.6(APC):c.422+6T>G

Gene: APC (APC regulator of Wnt signaling pathway; plus strand). Cytogenetic location: 5q22.2.
Variant type: single nucleotide variant.
Coding change: c.422+6T>G on transcript NM_000038.6 (MANE Select); 6 bases into the intron after coding-DNA position 422, T replaced by G.
Molecular consequence: intron variant.
Genome position (GRCh38, 1-based): chr5:112,767,396, T>G. VCF-style: chr5-112767396-T-G. GRCh37 (hg19) VCF-style: chr5-112103093-T-G.
Other names: c.422+6T>G (NM_001354895.2, NM_001127510.3, NM_001354896.2 and 2 more transcripts); c.452+6T>G (NM_001354897.2, NM_001354902.2, NM_001127511.3); c.347+6T>G (NM_001354898.2, NM_001354904.2); c.-614+6T>G (NM_001354906.2); c.245+6T>G (NM_001354900.2, NM_001354901.2, NM_001354905.2).
Identifiers: ClinVar variation 951903 (VCV000951903.11), dbSNP rs864622442, ClinGen allele CA1139658995.
Genomic context (GRCh38, chr5:112,767,396, plus strand): 5'-TTGTAAATGGAAGCAGAGAAAGTACTGGATATTTAGAAGAACTTGAGAAAGAGAGGTAAC[T>G]TTTCTTCATATAGTAAACATTGCCTTGTGTACTCCAGTTTATTGTTATTTTGTAATATAA-3'

ClinVar aggregate classification (germline): Uncertain significance (1 of 4 stars; one submission).

Conditions:
Familial adenomatous polyposis 1 (FAP1). Also called: POLYPOSIS, ADENOMATOUS INTESTINAL; FAMILIAL ADENOMATOUS POLYPOSIS 1, ATTENUATED. Identifiers: MedGen C2713442, MONDO:0021056, OMIM 175100. Disease mechanism: loss of function.

Submission:

Labcorp Genetics (formerly Invitae), Labcorp
Classification: Uncertain significance for Familial adenomatous polyposis 1. Last evaluated: 2019-07-31. Review status: criteria provided, single submitter. Criteria: Invitae Variant Classification Sherloc (09022015). Collection method: clinical testing. Allele origin: germline.
Comment: This variant has not been reported in the literature in individuals with APC-related conditions. Nucleotide substitutions within the consensus splice site are a relatively common cause of aberrant splicing (PMID: 17576681, 9536098). Algorithms developed to predict the effect of sequence changes on RNA splicing suggest that this variant is not likely to affect RNA splicing, but this prediction has not been confirmed by published transcriptional studies. In summary, the available evidence is currently insufficient to determine the role of this variant in disease. Therefore, it has been classified as a Variant of Uncertain Significance. This variant is not present in population databases (ExAC no frequency). This sequence change falls in intron 4 of the APC gene. It does not directly change the encoded amino acid sequence of the APC protein, but it affects a nucleotide within the consensus splice site of the intron.

Literature cited by the submitters: PubMed 17576681; PubMed 9536098.